The following is an entry in ClinVar:

NM_015355.4(SUZ12):c.1021A>C (p.Lys341Gln)

Gene: SUZ12 (SUZ12 polycomb repressive complex 2 subunit; plus strand). Cytogenetic location: 17q11.2.
Variant type: single nucleotide variant.
Coding change: c.1021A>C on transcript NM_015355.4 (MANE Select); coding-DNA position 1021, A replaced by C.
Protein change: p.Lys341Gln; replaces lysine 341 with glutamine.
Molecular consequence: missense variant.
Genome position (GRCh38, 1-based): chr17:31,983,102, A>C. VCF-style: chr17-31983102-A-C. GRCh37 (hg19) VCF-style: chr17-30310121-A-C.
Other names: c.952A>C, p.Lys318Gln (NM_001321207.2); short protein forms K318Q, K341Q.
Identifiers: ClinVar variation 4083046 (VCV004083046.1).

ClinVar aggregate classification (germline): Uncertain significance (1 of 4 stars; one submission).

Submission:

GeneDx
Classification: Uncertain significance. Last evaluated: 2025-03-12. Review status: criteria provided, single submitter. Criteria: GeneDx Variant Classification Process June 2021. Collection method: clinical testing. Allele origin: germline. Affected: yes.
Comment: Not observed at significant frequency in large population cohorts (gnomAD); In silico analysis indicates that this missense variant does not alter protein structure/function; Has not been previously published as pathogenic or benign to our knowledge